The following is an entry in ClinVar:

ClinVar aggregate classification (germline): Uncertain significance (1 of 4 stars; one submission).

Conditions:
Charcot-Marie-Tooth disease type 4. Also called: Charcot-Marie-Tooth disease, type IV; Charcot-Marie-Tooth, Type 4. Identifiers: Orphanet 64749, MedGen C4082197, MONDO:0018995.

Allele frequency attached by ClinVar (database versions not stated): gnomAD exomes below 0.00001; TOPMed 0.00001; ExAC 0.00002; gnomAD 0.00002.
gnomAD v4.1: 6 of 1,600,360 alleles (0.00037%); highest among the groups gnomAD compares: African/African-American, 0.0067%; no homozygotes.

Submission:

Labcorp Genetics (formerly Invitae), Labcorp
Classification: Uncertain significance for Charcot-Marie-Tooth disease type 4. Last evaluated: 2022-05-14. Review status: criteria provided, single submitter. Criteria: Invitae Variant Classification Sherloc (09022015). Collection method: clinical testing. Allele origin: germline.
Comment: This sequence change replaces leucine, which is neutral and non-polar, with proline, which is neutral and non-polar, at codon 306 of the PRX protein (p.Leu306Pro). The frequency data for this variant in the population databases is considered unreliable, as metrics indicate poor data quality at this position in the gnomAD database. This variant has not been reported in the literature in individuals affected with PRX-related conditions. Algorithms developed to predict the effect of missense changes on protein structure and function are either unavailable or do not agree on the potential impact of this missense change (SIFT: "Deleterious"; PolyPhen-2: "Possibly Damaging"; Align-GVGD: "Class C0"). In summary, the available evidence is currently insufficient to determine the role of this variant in disease. Therefore, it has been classified as a Variant of Uncertain Significance.

NM_181882.3(PRX):c.917T>C (p.Leu306Pro)

Gene: PRX (periaxin; minus strand). Cytogenetic location: 19q13.2.
Variant type: single nucleotide variant.
Coding change: c.917T>C on transcript NM_181882.3 (MANE Select); coding-DNA position 917, T replaced by C.
Protein change: p.Leu306Pro; replaces leucine 306 with proline.
Molecular consequence: missense variant. On other transcripts: 3 prime UTR variant (1).
Genome position (GRCh38, 1-based): chr19:40,397,435, A>G on the plus strand (T>C on the coding strand, the complement: PRX is on the minus strand). VCF-style: chr19-40397435-A-G. GRCh37 (hg19) VCF-style: chr19-40903342-A-G.
Other names: c.1202T>C, p.Leu401Pro (NM_001411127.1); c.*1122T>C (NM_020956.2); short protein forms L401P, L306P.
Identifiers: ClinVar variation 2141184 (VCV002141184.1), dbSNP rs756803817, ClinGen allele CA9444361.